The following is an entry in ClinVar:

ClinVar aggregate classification (germline): Uncertain significance. Review status: criteria provided, multiple submitters, no conflicts (2 of 4 stars). 2 submissions from 2 submitters: Uncertain significance (2). Last evaluated 2024-11-01.

Conditions:
Multiple endocrine neoplasia, type 2 (MEN2). Identifiers: Orphanet 653, MedGen C4048306, MONDO:0019003. Disease mechanism: gain of function.
Hereditary cancer-predisposing syndrome. Also called: Hereditary Cancer Syndrome; Tumor predisposition; Hereditary neoplastic syndrome; Neoplastic Syndromes, Hereditary. Identifiers: Orphanet 140162, MedGen C0027672, MeSH D009386, MONDO:0015356.

gnomAD v4.1: 1 of 1,614,050 alleles (0.000062%); no homozygotes.

Submissions (2):

Ambry Genetics
Classification: Uncertain significance for Hereditary cancer-predisposing syndrome. Last evaluated: 2024-11-01. Review status: criteria provided, single submitter. Criteria: Ambry Variant Classification Scheme 2023. Collection method: clinical testing. Allele origin: germline.
Comment: The p.L1018I variant (also known as c.3052C>A), located in coding exon 19 of the RET gene, results from a C to A substitution at nucleotide position 3052. The leucine at codon 1018 is replaced by isoleucine, an amino acid with highly similar properties. This amino acid position is highly conserved in available vertebrate species. In addition, the in silico prediction for this alteration is inconclusive. Based on the available evidence, the clinical significance of this variant remains unclear.

Labcorp Genetics (formerly Invitae), Labcorp
Classification: Uncertain significance for Multiple endocrine neoplasia, type 2. Last evaluated: 2024-03-07. Review status: criteria provided, single submitter. Criteria: Invitae Variant Classification Sherloc (09022015). Collection method: clinical testing. Allele origin: germline.
Comment: This sequence change replaces leucine, which is neutral and non-polar, with isoleucine, which is neutral and non-polar, at codon 1018 of the RET protein (p.Leu1018Ile). This variant is not present in population databases (gnomAD no frequency). This variant has not been reported in the literature in individuals affected with RET-related conditions. ClinVar contains an entry for this variant (Variation ID: 644790). An algorithm developed to predict the effect of missense changes on protein structure and function (PolyPhen-2) suggests that this variant is likely to be disruptive. In summary, the available evidence is currently insufficient to determine the role of this variant in disease. Therefore, it has been classified as a Variant of Uncertain Significance.

NM_020975.6(RET):c.3052C>A (p.Leu1018Ile)

Gene: RET (ret proto-oncogene; plus strand). Cytogenetic location: 10q11.21.
Variant type: single nucleotide variant.
Coding change: c.3052C>A on transcript NM_020975.6 (MANE Select); coding-DNA position 3052, C replaced by A.
Protein change: p.Leu1018Ile; replaces leucine 1018 with isoleucine.
Molecular consequence: missense variant.
Genome position (GRCh38, 1-based): chr10:43,126,587, C>A. VCF-style: chr10-43126587-C-A. GRCh37 (hg19) VCF-style: chr10-43622035-C-A.
Other names: c.3052C>A, p.Leu1018Ile (NM_000323.2, NM_001406743.1, NM_001406744.1 and 4 more transcripts); c.2290C>A, p.Leu764Ile (NM_001355216.2); c.2923C>A, p.Leu975Ile (NM_001406761.1, NM_001406762.1, NM_001406764.1); c.2917C>A, p.Leu973Ile (NM_001406763.1, NM_001406765.1); c.2764C>A, p.Leu922Ile (NM_001406766.1, NM_001406767.1, NM_001406770.1); c.2788C>A, p.Leu930Ile (NM_001406768.1); c.2656C>A, p.Leu886Ile (NM_001406769.1, NM_001406772.1); c.2614C>A, p.Leu872Ile (NM_001406771.1, NM_001406773.1); and 10 more; short protein forms L764I, L1018I, L623I, L674I, L719I, L886I, L679I, L872I.
Identifiers: ClinVar variation 644790 (VCV000644790.10), dbSNP rs766330880, ClinGen allele CA376558293.